The following is an entry in ClinVar:

ClinVar aggregate classification (germline): Uncertain significance (1 of 4 stars; one submission).

Allele frequency attached by ClinVar (database versions not stated): gnomAD exomes 0.00005 and 0.00020; ExAC 0.00007; gnomAD 0.00008 and 0.00009; ESP Exome Variant Server 0.00015.
gnomAD v4.1: 294 of 1,613,976 alleles (0.018%); highest among the groups gnomAD compares: Non-Finnish European, 0.024%; no homozygotes.

Submissions (2):

Labcorp Genetics (formerly Invitae), Labcorp
Classification: Uncertain significance. Last evaluated: 2022-07-12. Review status: criteria provided, single submitter. Criteria: Invitae Variant Classification Sherloc (09022015). Collection method: clinical testing. Allele origin: germline.
Comment: This sequence change replaces arginine, which is basic and polar, with serine, which is neutral and polar, at codon 691 of the UNC45A protein (p.Arg691Ser). This variant also falls at the last nucleotide of exon 15, which is part of the consensus splice site for this exon. This variant is present in population databases (rs377320920, gnomAD 0.01%). This variant has not been reported in the literature in individuals affected with UNC45A-related conditions. ClinVar contains an entry for this variant (Variation ID: 1524635). Experimental studies and prediction algorithms are not available or were not evaluated, and the functional significance of this variant is currently unknown. Variants that disrupt the consensus splice site are a relatively common cause of aberrant splicing (PMID: 17576681, 9536098). Algorithms developed to predict the effect of sequence changes on RNA splicing suggest that this variant may disrupt the consensus splice site. In summary, the available evidence is currently insufficient to determine the role of this variant in disease. Therefore, it has been classified as a Variant of Uncertain Significance.

Dr. Peter K. Rogan Lab, Western University
No classification provided (evidence only). Condition: Uterine corpus endometrial carcinoma. Review status: no classification provided. Collection method: in vitro. Allele origin: not applicable. Functional consequence: retained intron. Not counted in ClinVar's aggregate classification.

Literature cited by the submitters: PubMed 17576681 (cited by Labcorp Genetics (formerly Invitae), Labcorp); PubMed 9536098 (cited by Labcorp Genetics (formerly Invitae), Labcorp).

NM_018671.5(UNC45A):c.2073G>T (p.Arg691Ser)

Gene: UNC45A (unc-45 myosin chaperone A; plus strand). Cytogenetic location: 15q26.1.
Variant type: single nucleotide variant.
Coding change: c.2073G>T on transcript NM_018671.5 (MANE Select); coding-DNA position 2073, G replaced by T.
Protein change: p.Arg691Ser; replaces arginine 691 with serine.
Molecular consequence: missense variant.
Genome position (GRCh38, 1-based): chr15:90,949,720, G>T. VCF-style: chr15-90949720-G-T. GRCh37 (hg19) VCF-style: chr15-91492950-G-T.
Other names: c.2028G>T, p.Arg676Ser (NM_001039675.2, NM_001323621.2); c.2073G>T, p.Arg691Ser (NM_001323619.1); c.1638G>T, p.Arg546Ser (NM_001323620.2); short protein forms R691S, R546S, R676S.
Identifiers: ClinVar variation 1524635 (VCV001524635.4), dbSNP rs377320920, ClinGen allele CA7743170.